The following is an entry in ClinVar:

NM_002010.3(FGF9):c.*496C>T

Gene: FGF9 (fibroblast growth factor 9; plus strand). Cytogenetic location: 13q12.11.
Variant type: single nucleotide variant.
Coding change: c.*496C>T on transcript NM_002010.3 (MANE Select); 496 bases downstream of the stop codon, C replaced by T.
Molecular consequence: 3 prime UTR variant.
Genome position (GRCh38, 1-based): chr13:21,701,931, C>T. VCF-style: chr13-21701931-C-T. GRCh37 (hg19) VCF-style: chr13-22276070-C-T.
Identifiers: ClinVar variation 311446 (VCV000311446.6), dbSNP rs9509843, ClinGen allele CA10643973.

ClinVar aggregate classification (germline): Benign. Review status: criteria provided, multiple submitters, no conflicts (2 of 4 stars). 2 submissions from 2 submitters: Benign (2). Last evaluated 2018-01-12.

Conditions:
Multiple synostoses syndrome 3 (SYNS3). Identifiers: Orphanet 3237, MedGen C2751826, MONDO:0013064, OMIM 612961.

Allele frequency attached by ClinVar (database versions not stated): 1000 Genomes Project 30x 0.01327; gnomAD exomes 0.03576; 1000 Genomes Project 0.01218; TOPMed 0.02771; gnomAD 0.03136 and 0.03191.

Submissions (2):

Illumina Laboratory Services, Illumina
Classification: Benign for Multiple synostoses syndrome 3. Last evaluated: 2018-01-12. Review status: criteria provided, single submitter. Criteria: ICSL Variant Classification Criteria 13 December 2019. Collection method: clinical testing. Allele origin: germline.
Comment: This variant was observed in the ICSL laboratory as part of a predisposition screen in an ostensibly healthy population. It had not been previously curated by ICSL or reported in the Human Gene Mutation Database (HGMD: prior to June 1st, 2018), and was therefore a candidate for classification through an automated scoring system. Utilizing variant allele frequency, disease prevalence and penetrance estimates, and inheritance mode, an automated score was calculated to assess if this variant is too frequent to cause the disease. Based on the score and internal cut-off values, a variant classified as benign is not then subjected to further curation. The score for this variant resulted in a classification of benign for this disease.

Breakthrough Genomics
Classification: Benign. Review status: criteria provided, single submitter. Criteria: ACMG Guidelines, 2015. Collection method: not provided. Allele origin: germline. Inheritance: Autosomal dominant inheritance. Affected: yes.